The following is an entry in ClinVar:

ClinVar aggregate classification (germline): Likely pathogenic (1 of 4 stars; one submission).

Submission:

Labcorp Genetics (formerly Invitae), Labcorp
Classification: Likely pathogenic. Last evaluated: 2021-10-10. Review status: criteria provided, single submitter. Criteria: Invitae Variant Classification Sherloc (09022015). Collection method: clinical testing. Allele origin: germline.
Comment: In summary, the currently available evidence indicates that the variant is pathogenic, but additional data are needed to prove that conclusively. Therefore, this variant has been classified as Likely Pathogenic. This variant has not been reported in the literature in individuals affected with OCA2-related conditions. This variant results in a copy number gain of the genomic region encompassing exon(s) 15-16 of the OCA2 gene. While the exact position of this variant cannot be determined from the data, sub-genic copy number gains are generally in tandem (PMID: 25640679). This variant is predicted to be out-of-frame, and may result in an absent or disrupted protein product. Loss-of-function variants in OCA2 are known to be pathogenic (PMID: 19865097, 21541274).

Literature cited by the submitters: PubMed 25640679; PubMed 19865097; PubMed 21541274.

NC_000015.9:g.(?_28202714)_(28211988_?)dup

Gene: OCA2 (OCA2 melanosomal transmembrane protein; minus strand). Cytogenetic location: 15q13.1.
Variant type: Duplication.
Identifiers: ClinVar variation 1495461 (VCV001495461.4).